The following is an entry in ClinVar:

ClinVar aggregate classification (germline): Uncertain significance (1 of 4 stars; one submission).

Conditions:
Ullrich congenital muscular dystrophy 2 (UCMD2). Identifiers: Orphanet 75840, MedGen C4225314, MONDO:0014654, OMIM 616470.
Bethlem myopathy 2 (BTHLM2). Identifiers: Orphanet 536516, Orphanet 610, MedGen C4225313, MONDO:0034022, OMIM 616471.

Submission:

Labcorp Genetics (formerly Invitae), Labcorp
Classification: Uncertain significance for Bethlem myopathy 2; Ullrich congenital muscular dystrophy 2. Last evaluated: 2022-07-15. Review status: criteria provided, single submitter. Criteria: Invitae Variant Classification Sherloc (09022015). Collection method: clinical testing. Allele origin: germline.
Comment: Algorithms developed to predict the effect of missense changes on protein structure and function are either unavailable or do not agree on the potential impact of this missense change (SIFT: "Deleterious"; PolyPhen-2: "Possibly Damaging"; Align-GVGD: "Class C0"). In summary, the available evidence is currently insufficient to determine the role of this variant in disease. Therefore, it has been classified as a Variant of Uncertain Significance. This variant has not been reported in the literature in individuals affected with COL12A1-related conditions. This variant is present in population databases (no rsID available, gnomAD 0.0009%). This sequence change replaces proline, which is neutral and non-polar, with alanine, which is neutral and non-polar, at codon 1184 of the COL12A1 protein (p.Pro1184Ala).

NM_004370.6(COL12A1):c.3550C>G (p.Pro1184Ala)

Gene: COL12A1 (collagen type XII alpha 1 chain; minus strand). Cytogenetic location: 6q13.
Variant type: single nucleotide variant.
Coding change: c.3550C>G on transcript NM_004370.6 (MANE Select); coding-DNA position 3550, C replaced by G.
Protein change: p.Pro1184Ala; replaces proline 1184 with alanine.
Molecular consequence: missense variant. On other transcripts: intron variant (1).
Genome position (GRCh38, 1-based): chr6:75,154,431, G>C on the plus strand (C>G on the coding strand, the complement: COL12A1 is on the minus strand). VCF-style: chr6-75154431-G-C. GRCh37 (hg19) VCF-style: chr6-75864147-G-C.
Other names: c.74-1949C>G (NM_080645.3); short protein forms P1184A.
Identifiers: ClinVar variation 2190075 (VCV002190075.4), dbSNP rs1057524309, ClinGen allele CA364751126.